The following is an entry in ClinVar:

NM_001715.3(BLK):c.952+46C>A

Genes: BLK (BLK proto-oncogene, Src family tyrosine kinase), BLK-AS1 (BLK antisense RNA 1). Cytogenetic location: 8p23.1.
Variant type: single nucleotide variant.
Coding change: c.952+46C>A on transcript NM_001715.3 (MANE Select); 46 bases into the intron after coding-DNA position 952, C replaced by A.
Molecular consequence: intron variant.
Genome position (GRCh38, 1-based): chr8:11,556,883, C>A. VCF-style: chr8-11556883-C-A. GRCh37 (hg19) VCF-style: chr8-11414392-C-A.
Other names: c.739+46C>A (NM_001330465.2).
Identifiers: ClinVar variation 2658408 (VCV002658408.24), dbSNP rs143469940, ClinGen allele CA4630180.

ClinVar aggregate classification (germline): Benign (1 of 4 stars; one submission).

Allele frequency attached by ClinVar (database versions not stated): ExAC 0.00035; 1000 Genomes Project 30x 0.00062; ESP Exome Variant Server 0.00069; 1000 Genomes Project 0.00080; TOPMed 0.00097; gnomAD 0.00098.
gnomAD v4.1: 462 of 1,583,344 alleles (0.029%); highest among the groups gnomAD compares: African/African-American, 0.28%; 3 homozygotes.

Submission:

CeGaT Center for Human Genetics Tuebingen
Classification: Benign. Last evaluated: 2022-04-01. Review status: criteria provided, single submitter. Criteria: CeGaT Center For Human Genetics Tuebingen Variant Classification Criteria Version 2. Collection method: clinical testing. Allele origin: germline. Affected: yes. Observed: 1 variant allele.
Comment: BLK: BS1, BS2